The following is an entry in ClinVar:

NM_001844.5(COL2A1):c.2220del (p.Ala742fs)

Gene: COL2A1 (collagen type II alpha 1 chain; minus strand). Cytogenetic location: 12q13.11.
Variant type: Deletion.
Coding change: c.2220del on transcript NM_001844.5 (MANE Select); coding-DNA position 2220, one base deleted (T; older notation c.2220delT).
Protein change: p.Ala742fs; shifts the reading frame from alanine 742.
Molecular consequence: frameshift variant.
Genome position (GRCh38, 1-based): chr12:47,982,583, A deleted on the plus strand (T on the coding strand, the reverse complement: COL2A1 is on the minus strand). VCF-style (leftmost placement, unchanged base first): chr12-47982582-CA-C. GRCh37 (hg19) VCF-style: chr12-48376365-CA-C.
Other names: c.2013del, p.Ala673fs (NM_033150.3); short protein forms A673fs, A742fs.
Identifiers: ClinVar variation 4992404 (VCV004992404.1).

ClinVar aggregate classification (germline): Likely pathogenic (1 of 4 stars; one submission).

Conditions:
COL2A1-related disorder. Also called: COL2A1-related condition; COL2A1-related disorders.

Submission:

PreventionGenetics, part of Exact Sciences
Classification: Likely pathogenic for COL2A1-related condition. Last evaluated: 2026-05-14. Review status: criteria provided, single submitter. Criteria: ACMG Guidelines, 2015. Collection method: clinical testing. Allele origin: germline.
Comment: The COL2A1 c.2220delT variant is predicted to result in a frameshift and premature protein termination (p.Ala742Leufs*46). To our knowledge, this variant has not been reported in the literature or in a large population database (gnomAD), indicating this variant is rare. Frameshift variants in COL2A1 are expected to be pathogenic. This variant is interpreted as likely pathogenic.